The following is an entry in ClinVar:

ClinVar aggregate classification (germline): Conflicting classifications of pathogenicity. Review status: criteria provided, conflicting classifications (1 of 4 stars). 3 submissions from 3 submitters: Uncertain significance (1); Likely benign (2). Last evaluated 2025-10-26.

Conditions:
COL2A1-related disorder. Also called: COL2A1-related condition; COL2A1-related disorders.

Allele frequency attached by ClinVar (database versions not stated): ExAC 0.00002; gnomAD exomes 0.00002; TOPMed 0.00006; gnomAD 0.00007.
gnomAD v4.1: 22 of 1,612,506 alleles (0.0014%); highest among the groups gnomAD compares: African/African-American, 0.016%; no homozygotes.

Submissions (3):

Labcorp Genetics (formerly Invitae), Labcorp
Classification: Uncertain significance. Last evaluated: 2025-10-26. Review status: criteria provided, single submitter. Criteria: Invitae Variant Classification Sherloc (09022015). Collection method: clinical testing. Allele origin: germline.
Comment: This sequence change affects codon 821 of the COL2A1 mRNA. It is a 'silent' change, meaning that it does not change the encoded amino acid sequence of the COL2A1 protein. This variant also falls at the last nucleotide of exon 37, which is part of the consensus splice site for this exon. This variant is present in population databases (rs769766820, gnomAD 0.008%). This variant has not been reported in the literature in individuals affected with COL2A1-related conditions. ClinVar contains an entry for this variant (Variation ID: 1051503). Variants that disrupt the consensus splice site are a relatively common cause of aberrant splicing (PMID: 17576681, 9536098). Algorithms developed to predict the effect of sequence changes on RNA splicing suggest that this variant is not likely to affect RNA splicing. In summary, the available evidence is currently insufficient to determine the role of this variant in disease. Therefore, it has been classified as a Variant of Uncertain Significance.

PreventionGenetics, part of Exact Sciences
Classification: Likely benign for COL2A1-related condition. Last evaluated: 2025-01-31. Review status: criteria provided, single submitter. Criteria: ACMG Guidelines, 2015. Collection method: clinical testing. Allele origin: germline.
Comment: This variant is classified as likely benign based on ACMG/AMP sequence variant interpretation guidelines (Richards et al. 2015 PMID: 25741868, with internal and published modifications).

GeneDx
Classification: Likely benign. Last evaluated: 2021-06-24. Review status: criteria provided, single submitter. Criteria: GeneDx Variant Classification Process June 2021. Collection method: clinical testing. Allele origin: germline. Affected: yes.

Literature cited by the submitters: PubMed 17576681 (cited by Labcorp Genetics (formerly Invitae), Labcorp); PubMed 9536098 (cited by Labcorp Genetics (formerly Invitae), Labcorp).

NM_001844.5(COL2A1):c.2463G>A (p.Pro821=)

Gene: COL2A1 (collagen type II alpha 1 chain; minus strand). Cytogenetic location: 12q13.11.
Variant type: single nucleotide variant.
Coding change: c.2463G>A on transcript NM_001844.5 (MANE Select); coding-DNA position 2463, G replaced by A.
Protein change: p.Pro821=; no amino-acid change (proline 821 retained).
Molecular consequence: synonymous variant.
Genome position (GRCh38, 1-based): chr12:47,981,343, C>T on the plus strand (G>A on the coding strand, the complement: COL2A1 is on the minus strand). VCF-style: chr12-47981343-C-T. GRCh37 (hg19) VCF-style: chr12-48375126-C-T.
Other names: c.2256G>A, p.Pro752= (NM_033150.3).
Identifiers: ClinVar variation 1051503 (VCV001051503.12), dbSNP rs769766820, ClinGen allele CA6535092.